The following is an entry in ClinVar:

ClinVar aggregate classification (germline): Likely benign (1 of 4 stars; one submission).

Submission:

CeGaT Center for Human Genetics Tuebingen
Classification: Likely benign. Last evaluated: 2024-02-01. Review status: criteria provided, single submitter. Criteria: CeGaT Center For Human Genetics Tuebingen Variant Classification Criteria Version 2. Collection method: clinical testing. Allele origin: germline. Affected: yes. Observed: 1 variant allele.
Comment: KCNQ1OT1: BS1

NM_000218.3(KCNQ1):c.1394-16993dup

Genes: KCNQ1 (potassium voltage-gated channel subfamily Q member 1; plus strand), KCNQ1OT1 (KCNQ1 opposite strand/antisense transcript 1; minus strand). Cytogenetic location: 11p15.5.
Variant type: Duplication.
Coding change: c.1394-16993dup on transcript NM_000218.3 (MANE Select); 16993 bases into the intron before coding-DNA position 1394, one base duplicated (G; older notation c.1394-16993dupG).
Molecular consequence: intron variant. On other transcripts: non-coding transcript variant (1).
Genome position (GRCh38, 1-based): chr11:2,644,968, G duplicated; the last of 3 consecutive G bases (chr11:2,644,966-2,644,968); duplicating any one gives the same sequence. VCF-style (leftmost placement, unchanged base first): chr11-2644965-T-TG. GRCh37 (hg19) VCF-style: chr11-2666195-T-TG.
Other names: c.1124-16993dup (NM_001406837.1); c.1298-16993dup (NM_001406836.1); c.854-16993dup (NM_001406838.1); c.1013-16993dup (NM_181798.2).
Identifiers: ClinVar variation 3026425 (VCV003026425.22), dbSNP rs560831944, ClinGen allele CA216157544.
Genomic context (GRCh38, chr11:2,644,965, plus strand): 5'-CCAGCTGGGCCAGTCCTCAGGCCCCAGTGGCAGCAGTGGCTGGCCCCGAATGCTTATCCT[T>TG]GGGCCCAATGGTAGTGTATGCTGGTACCAGTGTTAGCAAGTCCAGGGAAACCAATTTTGG-3'